The following is an entry in ClinVar:

ClinVar aggregate classification (germline): Likely benign (1 of 4 stars; one submission).

Submission:

GeneDx
Classification: Likely benign. Last evaluated: 2016-05-10. Review status: criteria provided, single submitter. Criteria: GeneDx Variant Classification (06012015). Collection method: clinical testing. Allele origin: germline. Affected: yes.
Comment: This variant is considered likely benign or benign based on one or more of the following criteria: it is a conservative change, it occurs at a poorly conserved position in the protein, it is predicted to be benign by multiple in silico algorithms, and/or has population frequency not consistent with disease.

NM_000051.4(ATM):c.332-5A>T

Gene: ATM (ATM serine/threonine kinase; plus strand). Cytogenetic location: 11q22.3.
Variant type: single nucleotide variant.
Coding change: c.332-5A>T on transcript NM_000051.4 (MANE Select); 5 bases into the intron before coding-DNA position 332, A replaced by T.
Molecular consequence: intron variant.
Genome position (GRCh38, 1-based): chr11:108,235,665, A>T. VCF-style: chr11-108235665-A-T. GRCh37 (hg19) VCF-style: chr11-108106392-A-T.
Other names: c.332-5A>T (NM_001351834.2).
Identifiers: ClinVar variation 386207 (VCV000386207.1), dbSNP rs1057522447, ClinGen allele CA16606021.